The following is an entry in ClinVar:

ClinVar aggregate classification (germline): Uncertain significance. Review status: criteria provided, multiple submitters, no conflicts (2 of 4 stars). 5 submissions from 5 submitters: Uncertain significance (5). Last evaluated 2025-12-08.

Conditions:
Hereditary cancer. Identifiers: MedGen C1333600.
Hereditary cancer-predisposing syndrome. Also called: Neoplastic Syndromes, Hereditary; Hereditary Cancer Syndrome; Tumor predisposition; Hereditary neoplastic syndrome. Identifiers: Orphanet 140162, MedGen C0027672, MeSH D009386, MONDO:0015356.
Familial cancer of breast. Also called: BREAST CANCER, FAMILIAL; Hereditary breast cancer; hereditary breast carcinoma. Identifiers: Orphanet 227535, MedGen C0346153, MONDO:0016419, OMIM 114480. Disease mechanism: loss of function.

Allele frequency attached by ClinVar (database versions not stated): TOPMed 0.00005.
gnomAD v4.1: 22 of 1,612,458 alleles (0.0014%); highest among the groups gnomAD compares: African/African-American, 0.028%; no homozygotes.

Submissions (5):

Dasa
Classification: Uncertain significance. Last evaluated: 2025-12-08. Review status: criteria provided, single submitter. Criteria: DASA Assertion Criteria. Collection method: clinical testing. Allele origin: germline.
Comment: NM_032043.3(BRIP1):c.3412G>T (p.Asp1138Tyr) is a missense variant that results in the substitution of aspartic acid with tyrosine. This variant is rare in population databases. The currently available literature and clinical evidence are not sufficient to establish a definitive association between this variant and the reported condition. Therefore, this variant is classified as a variant of uncertain significance.

Mendelics
Classification: Uncertain significance for Hereditary cancer. Last evaluated: 2024-08-12. Review status: criteria provided, single submitter. Criteria: ACMG Guidelines, 2015. Collection method: clinical testing. Allele origin: unknown.

GeneDx
Classification: Uncertain significance. Last evaluated: 2024-04-10. Review status: criteria provided, single submitter. Criteria: GeneDx Variant Classification Process June 2021. Collection method: clinical testing. Allele origin: germline. Affected: yes.
Comment: In silico analysis supports that this missense variant has a deleterious effect on protein structure/function; This variant is associated with the following publications: (PMID: 26689913, 21127055, 20159562, 35534704)

Baylor Genetics
Classification: Uncertain significance for Familial cancer of breast. Last evaluated: 2023-09-05. Review status: criteria provided, single submitter. Criteria: ACMG Guidelines, 2015. Collection method: clinical testing. Allele origin: unknown.

Ambry Genetics
Classification: Uncertain significance for Hereditary cancer-predisposing syndrome. Last evaluated: 2022-05-04. Review status: criteria provided, single submitter. Criteria: Ambry Variant Classification Scheme 2023. Collection method: clinical testing. Allele origin: germline.
Comment: The p.D1138Y variant (also known as c.3412G>T), located in coding exon 19 of the BRIP1 gene, results from a G to T substitution at nucleotide position 3412. The aspartic acid at codon 1138 is replaced by tyrosine, an amino acid with highly dissimilar properties. This amino acid position is highly conserved in available vertebrate species. In addition, the in silico prediction for this alteration is inconclusive. Since supporting evidence is limited at this time, the clinical significance of this alteration remains unclear.

NM_032043.3(BRIP1):c.3412G>T (p.Asp1138Tyr)

Gene: BRIP1 (BRCA1 interacting DNA helicase 1; minus strand). Cytogenetic location: 17q23.2.
Variant type: single nucleotide variant.
Coding change: c.3412G>T on transcript NM_032043.3 (MANE Select); coding-DNA position 3412, G replaced by T.
Protein change: p.Asp1138Tyr; replaces aspartic acid 1138 with tyrosine.
Molecular consequence: missense variant.
Genome position (GRCh38, 1-based): chr17:61,683,634, C>A on the plus strand (G>T on the coding strand, the complement: BRIP1 is on the minus strand). VCF-style: chr17-61683634-C-A. GRCh37 (hg19) VCF-style: chr17-59760995-C-A.
Other names: p.D1138Y:GAT>TAT; short protein forms D1138Y.
Identifiers: ClinVar variation 128188 (VCV000128188.11), dbSNP rs587780249, ClinGen allele CA288594.
Genomic context (GRCh38, chr17:61,683,634, plus strand): 5'-ATCTATTTCCTCTATCAGTTTCAGCTAGGTCATTTTTTTCTTCATCTGTATCTTCAGGAT[C>A]ATAAAGTTCAGGTGTAAAATAGATAGATTCATCTTCTGCTTCTGTTTCAAAATCTCTATT-3'
Protein context (NP_114432.2, residues 1128-1148): ESIYFTPELY[Asp1138Tyr]PEDTDEEKND